The following is an entry in ClinVar:

NM_014252.4(SLC25A15):c.172G>A (p.Val58Met)

Gene: SLC25A15 (solute carrier family 25 member 15; plus strand). Cytogenetic location: 13q14.11.
Variant type: single nucleotide variant.
Coding change: c.172G>A on transcript NM_014252.4 (MANE Select); coding-DNA position 172, G replaced by A.
Protein change: p.Val58Met; replaces valine 58 with methionine.
Molecular consequence: missense variant. On other transcripts: non-coding transcript variant (2).
Genome position (GRCh38, 1-based): chr13:40,799,173, G>A. VCF-style: chr13-40799173-G-A. GRCh37 (hg19) VCF-style: chr13-41373309-G-A.
Other names: short protein forms V58M.
Identifiers: ClinVar variation 2069762 (VCV002069762.2), dbSNP rs1310621949, ClinGen allele CA387916856.

ClinVar aggregate classification (germline): Uncertain significance. Review status: criteria provided, multiple submitters, no conflicts (2 of 4 stars). 2 submissions from 2 submitters: Uncertain significance (2). Last evaluated 2024-02-26.

Conditions:
Hyperornithinemia-hyperammonemia-homocitrullinuria syndrome (HHHS). Also called: Ornithine translocase deficiency; HHH SYNDROME. Identifiers: Orphanet 415, MedGen C0268540, MONDO:0009393, OMIM 238970.

Allele frequency attached by ClinVar (database versions not stated): gnomAD 0.00001; TOPMed 0.00001.
gnomAD v4.1: 4 of 1,614,082 alleles (0.00025%); highest among the groups gnomAD compares: African/African-American, 0.0053%; no homozygotes.

Submissions (2):

Illumina Laboratory Services, Illumina
Classification: Uncertain significance for Hyperornithinemia-hyperammonemia-homocitrullinuria syndrome. Last evaluated: 2024-02-26. Review status: criteria provided, single submitter. Criteria: ISL SNV Classification Criteria 03 February 2026. Collection method: clinical testing. Allele origin: unknown.
Comment: The SLC25A15 c.172G>A p.(Val58Met) missense variant has not, to our knowledge, been reported in the peer-reviewed literature. This variant is not observed at a significant frequency in version 2.1.1 or version 4.0.0 of the Genome Aggregation Database. Based on the available evidence, the c.172G>A p.(Val58Met) variant is classified as a variant of uncertain significance for hyperornithinemia-hyperammonemia-homocitrullinuria syndrome.

Labcorp Genetics (formerly Invitae), Labcorp
Classification: Uncertain significance for Hyperornithinemia-hyperammonemia-homocitrullinuria syndrome. Last evaluated: 2022-10-13. Review status: criteria provided, single submitter. Criteria: Invitae Variant Classification Sherloc (09022015). Collection method: clinical testing. Allele origin: germline.
Comment: This sequence change replaces valine, which is neutral and non-polar, with methionine, which is neutral and non-polar, at codon 58 of the SLC25A15 protein (p.Val58Met). This variant is present in population databases (no rsID available, gnomAD 0.01%). This variant has not been reported in the literature in individuals affected with SLC25A15-related conditions. Advanced modeling of protein sequence and biophysical properties (such as structural, functional, and spatial information, amino acid conservation, physicochemical variation, residue mobility, and thermodynamic stability) performed at Invitae indicates that this missense variant is not expected to disrupt SLC25A15 protein function. In summary, the available evidence is currently insufficient to determine the role of this variant in disease. Therefore, it has been classified as a Variant of Uncertain Significance.